The following is an entry in ClinVar:

NM_000428.3(LTBP2):c.4076C>T (p.Ala1359Val)

Gene: LTBP2 (latent transforming growth factor beta binding protein 2; minus strand). Cytogenetic location: 14q24.3.
Variant type: single nucleotide variant.
Coding change: c.4076C>T on transcript NM_000428.3 (MANE Select); coding-DNA position 4076, C replaced by T.
Protein change: p.Ala1359Val; replaces alanine 1359 with valine.
Molecular consequence: missense variant.
Genome position (GRCh38, 1-based): chr14:74,506,149, G>A on the plus strand (C>T on the coding strand, the complement: LTBP2 is on the minus strand). VCF-style: chr14-74506149-G-A. GRCh37 (hg19) VCF-style: chr14-74972852-G-A.
Other names: c.4076C>T (NM_000428.2); short protein forms A1359V.
Identifiers: ClinVar variation 1440205 (VCV001440205.4), dbSNP rs755194699, ClinGen allele CA7268875.

ClinVar aggregate classification (germline): Uncertain significance. Review status: criteria provided, multiple submitters, no conflicts (2 of 4 stars). 2 submissions from 2 submitters: Uncertain significance (2). Last evaluated 2024-10-04.

Conditions:
Inborn genetic diseases. Identifiers: MedGen C0950123, MeSH D030342.

Allele frequency attached by ClinVar (database versions not stated): ExAC 0.00002; gnomAD exomes 0.00002 and 0.00003; TOPMed 0.00002; gnomAD 0.00004 and 0.00005.
gnomAD v4.1: 46 of 1,614,098 alleles (0.0028%); highest among the groups gnomAD compares: East Asian, 0.045%; no homozygotes.

Submissions (2):

Ambry Genetics
Classification: Uncertain significance for Inborn genetic diseases. Last evaluated: 2024-10-04. Review status: criteria provided, single submitter. Criteria: Ambry Variant Classification Scheme 2023. Collection method: clinical testing. Allele origin: germline.

Labcorp Genetics (formerly Invitae), Labcorp
Classification: Uncertain significance. Last evaluated: 2022-07-31. Review status: criteria provided, single submitter. Criteria: Invitae Variant Classification Sherloc (09022015). Collection method: clinical testing. Allele origin: germline.
Comment: This sequence change replaces alanine, which is neutral and non-polar, with valine, which is neutral and non-polar, at codon 1359 of the LTBP2 protein (p.Ala1359Val). This variant is present in population databases (rs755194699, gnomAD 0.01%). This variant has not been reported in the literature in individuals affected with LTBP2-related conditions. ClinVar contains an entry for this variant (Variation ID: 1440205). Algorithms developed to predict the effect of missense changes on protein structure and function are either unavailable or do not agree on the potential impact of this missense change (SIFT: "Deleterious"; PolyPhen-2: "Possibly Damaging"; Align-GVGD: "Class C0"). In summary, the available evidence is currently insufficient to determine the role of this variant in disease. Therefore, it has been classified as a Variant of Uncertain Significance.